The following is an entry in ClinVar:

ClinVar aggregate classification (germline): Uncertain significance (1 of 4 stars; one submission).

Submission:

Medical Genetic Center, Changzhi Maternal and Child Health Care Hospital
Classification: Uncertain significance. Last evaluated: 2025-12-10. Review status: criteria provided, single submitter. Criteria: ACMG/ClinGen CNV Guidelines, 2019. Collection method: clinical testing. Allele origin: unknown.
Comment: 1A(0)+3A(0), mo morbird gene

GRCh38/hg38 1p36.11(chr1:24536442-24648725)x3

Genes: NCMAP (non-compact myelin associated protein; plus strand), NCMAP-DT (NCMAP divergent transcript; minus strand), RCAN3 (RCAN family member 3; plus strand), SRRM1 (serine and arginine repetitive matrix 1; plus strand), LOC112577564 (Sharpr-MPRA regulatory region 2491; plus strand) and 3 more. Cytogenetic location: 1p36.11.
Variant type: copy number gain.
Change: copy number 3 (three copies instead of two) of chr1:24,536,442-24,648,725 (112.3 kb, GRCh38 coordinates, 1-based), cytogenetic band 1p36.11.
Identifiers: ClinVar variation 4796127 (VCV004796127.1).